The following is an entry in ClinVar:

NM_002641.4(PIGA):c.1189-2_1189-1del

Gene: PIGA (phosphatidylinositol glycan anchor biosynthesis class A; minus strand). Cytogenetic location: Xp22.2.
Variant type: Deletion.
Coding change: c.1189-2_1189-1del on transcript NM_002641.4 (MANE Select); the canonical splice acceptor site of the intron before coding-DNA position 1189, 2 bases deleted (AG; older notation c.1189-2_1189-1delAG).
Molecular consequence: splice acceptor variant.
Genome position (GRCh38, 1-based): chrX:15,321,773-15,321,774, CT deleted on the plus strand (AG on the coding strand, the reverse complement: PIGA is on the minus strand). VCF-style (leftmost placement, unchanged base first): chrX-15321772-CCT-C. GRCh37 (hg19) VCF-style: chrX-15339894-CCT-C.
Other names: c.487-2_487-1del (NM_020473.3).
Identifiers: ClinVar variation 2683634 (VCV002683634.1), dbSNP rs2519321980, ClinGen allele CA2697552862.

ClinVar aggregate classification (germline): Likely pathogenic (1 of 4 stars; one submission).

Submission:

Mayo Clinic Laboratories, Mayo Clinic
Classification: Likely pathogenic. Last evaluated: 2023-02-24. Review status: criteria provided, single submitter. Criteria: ACMG Guidelines, 2015. Collection method: clinical testing. Allele origin: germline. Observed: 1 variant allele.
Comment: PP4, PM2, PVS1_strong